The following is an entry in ClinVar:

ClinVar aggregate classification (germline): Uncertain significance (1 of 4 stars; one submission).

Conditions:
Zellweger spectrum disorders (ZS). Also called: Zellweger Spectrum Disorder (ZSD); Zellweger syndrome; Zellweger Spectrum Disorder; Zellweger Spectrum. Identifiers: Orphanet 912, MedGen C0043459, MONDO:0019609.

Submission:

Labcorp Genetics (formerly Invitae), Labcorp
Classification: Uncertain significance for Zellweger spectrum disorders. Last evaluated: 2021-10-20. Review status: criteria provided, single submitter. Criteria: Invitae Variant Classification Sherloc (09022015). Collection method: clinical testing. Allele origin: germline.
Comment: This sequence change falls in intron 11 of the PEX1 gene. It does not directly change the encoded amino acid sequence of the PEX1 protein. It affects a nucleotide within the consensus splice site of the intron. This variant is not present in population databases (ExAC no frequency). This variant has not been reported in the literature in individuals affected with PEX1-related conditions. Nucleotide substitutions within the consensus splice site are a relatively common cause of aberrant splicing (PMID: 17576681, 9536098). Algorithms developed to predict the effect of sequence changes on RNA splicing suggest that this variant is not likely to affect RNA splicing. In summary, the available evidence is currently insufficient to determine the role of this variant in disease. Therefore, it has been classified as a Variant of Uncertain Significance.

Literature cited by the submitters: PubMed 17576681; PubMed 9536098.

NM_000466.3(PEX1):c.1900+4T>C

Gene: PEX1 (peroxisomal biogenesis factor 1; minus strand). Cytogenetic location: 7q21.2.
Variant type: single nucleotide variant.
Coding change: c.1900+4T>C on transcript NM_000466.3 (MANE Select); 4 bases into the intron after coding-DNA position 1900, T replaced by C.
Molecular consequence: intron variant.
Genome position (GRCh38, 1-based): chr7:92,506,244, A>G on the plus strand (T>C on the coding strand, the complement: PEX1 is on the minus strand). VCF-style: chr7-92506244-A-G. GRCh37 (hg19) VCF-style: chr7-92135558-A-G.
Other names: c.1900+4T>C (NM_001282677.2); c.1276+4T>C (NM_001282678.2).
Identifiers: ClinVar variation 1437409 (VCV001437409.3), dbSNP rs2116175794, ClinGen allele CA2573142417.